The following is an entry in ClinVar:

NM_006939.4(SOS2):c.3578C>T (p.Thr1193Ile)

Gene: SOS2 (SOS Ras/Rho guanine nucleotide exchange factor 2; minus strand). Cytogenetic location: 14q21.3.
Variant type: single nucleotide variant.
Coding change: c.3578C>T on transcript NM_006939.4 (MANE Select); coding-DNA position 3578, C replaced by T.
Protein change: p.Thr1193Ile; replaces threonine 1193 with isoleucine.
Molecular consequence: missense variant.
Genome position (GRCh38, 1-based): chr14:50,118,765, G>A on the plus strand (C>T on the coding strand, the complement: SOS2 is on the minus strand). VCF-style: chr14-50118765-G-A. GRCh37 (hg19) VCF-style: chr14-50585483-G-A.
Other names: c.3479C>T, p.Thr1160Ile (NM_001411020.1); short protein forms T1160I, T1193I.
Identifiers: ClinVar variation 2088136 (VCV002088136.4), dbSNP rs2502758790, ClinGen allele CA389638632.

ClinVar aggregate classification (germline): Uncertain significance (1 of 4 stars; one submission).

Conditions:
Noonan syndrome 9 (NS9). Identifiers: Orphanet 648, MedGen C4225282, MONDO:0014691, OMIM 616559.

Submission:

Labcorp Genetics (formerly Invitae), Labcorp
Classification: Uncertain significance for Noonan syndrome 9. Last evaluated: 2022-04-16. Review status: criteria provided, single submitter. Criteria: Invitae Variant Classification Sherloc (09022015). Collection method: clinical testing. Allele origin: germline.
Comment: This sequence change replaces threonine, which is neutral and polar, with isoleucine, which is neutral and non-polar, at codon 1193 of the SOS2 protein (p.Thr1193Ile). In summary, the available evidence is currently insufficient to determine the role of this variant in disease. Therefore, it has been classified as a Variant of Uncertain Significance. Advanced modeling of protein sequence and biophysical properties (such as structural, functional, and spatial information, amino acid conservation, physicochemical variation, residue mobility, and thermodynamic stability) performed at Invitae indicates that this missense variant is not expected to disrupt SOS2 protein function. This variant has not been reported in the literature in individuals affected with SOS2-related conditions. This variant is not present in population databases (gnomAD no frequency).